The following is an entry in ClinVar:

ClinVar aggregate classification (germline): Likely benign. Review status: criteria provided, single submitter (1 of 4 stars). 2 submissions from 2 submitters: Likely benign (1). 1 of the submissions does not count toward it. Last evaluated 2019-12-31.

Conditions:
PLXNA3-related disorder. Also called: PLXNA3-related condition.

Allele frequency attached by ClinVar (database versions not stated): TOPMed 0.00079; 1000 Genomes Project 30x 0.00083; gnomAD 0.00102 and 0.00104; ESP Exome Variant Server 0.00104; 1000 Genomes Project 0.00106.

Submissions (2):

Labcorp Genetics (formerly Invitae), Labcorp
Classification: Likely benign. Last evaluated: 2019-12-31. Review status: criteria provided, single submitter. Criteria: Invitae Variant Classification Sherloc (09022015). Collection method: clinical testing. Allele origin: germline.

PreventionGenetics, part of Exact Sciences
Classification: Likely benign for PLXNA3-related condition. Last evaluated: 2021-09-10. Review status: no assertion criteria provided. Collection method: clinical testing. Allele origin: germline. Not counted in ClinVar's aggregate classification.
Comment: This variant is classified as likely benign based on ACMG/AMP sequence variant interpretation guidelines (Richards et al. 2015 PMID: 25741868, with internal and published modifications).

NM_017514.5(PLXNA3):c.1237G>A (p.Gly413Ser)

Gene: PLXNA3 (plexin A3; plus strand). Cytogenetic location: Xq28.
Variant type: single nucleotide variant.
Coding change: c.1237G>A on transcript NM_017514.5 (MANE Select); coding-DNA position 1237, G replaced by A.
Protein change: p.Gly413Ser; replaces glycine 413 with serine.
Molecular consequence: missense variant.
Genome position (GRCh38, 1-based): chrX:154,462,230, G>A. VCF-style: chrX-154462230-G-A. GRCh37 (hg19) VCF-style: chrX-153690570-G-A.
Other names: short protein forms G413S.
Identifiers: ClinVar variation 724571 (VCV000724571.6), dbSNP rs36115591, ClinGen allele CA10563959.